The following is an entry in ClinVar:

NM_001278669.2(NFATC1):c.2407G>A (p.Val803Met)

Gene: NFATC1 (nuclear factor of activated T cells 1; plus strand). Cytogenetic location: 18q23.
Variant type: single nucleotide variant.
Coding change: c.2407G>A on transcript NM_001278669.2 (MANE Select); coding-DNA position 2407, G replaced by A.
Protein change: p.Val803Met; replaces valine 803 with methionine.
Molecular consequence: missense variant. On other transcripts: intron variant (2).
Genome position (GRCh38, 1-based): chr18:79,486,562, G>A. VCF-style: chr18-79486562-G-A. GRCh37 (hg19) VCF-style: chr18-77246562-G-A.
Other names: c.991G>A, p.Val331Met (NM_001278673.2, NM_172388.3); c.2407G>A, p.Val803Met (NM_006162.5); c.2368G>A, p.Val790Met (NM_172387.3, NM_172389.3); c.2092+18980G>A (NM_001278670.2); c.2053+18980G>A (NM_001278672.2); c.2368G>A (NM_172387.1); short protein forms V803M, V790M, V331M.
Identifiers: ClinVar variation 1394322 (VCV001394322.7), dbSNP rs772988184, ClinGen allele CA9009628.

ClinVar aggregate classification (germline): Uncertain significance. Review status: criteria provided, multiple submitters, no conflicts (2 of 4 stars). 2 submissions from 2 submitters: Uncertain significance (2). Last evaluated 2025-05-25.

Allele frequency attached by ClinVar (database versions not stated): ExAC 0.00003; gnomAD exomes 0.00004.
gnomAD v4.1: 24 of 1,594,088 alleles (0.0015%); highest among the groups gnomAD compares: East Asian, 0.0045%; no homozygotes.

Submissions (2):

Ambry Genetics
Classification: Uncertain significance. Last evaluated: 2025-05-25. Review status: criteria provided, single submitter. Criteria: Ambry Variant Classification Scheme 2023. Collection method: clinical testing. Allele origin: germline.

Labcorp Genetics (formerly Invitae), Labcorp
Classification: Uncertain significance. Last evaluated: 2022-10-09. Review status: criteria provided, single submitter. Criteria: Invitae Variant Classification Sherloc (09022015). Collection method: clinical testing. Allele origin: germline.
Comment: This variant is present in population databases (rs772988184, gnomAD 0.01%). This sequence change replaces valine, which is neutral and non-polar, with methionine, which is neutral and non-polar, at codon 803 of the NFATC1 protein (p.Val803Met). This variant has not been reported in the literature in individuals affected with NFATC1-related conditions. In summary, the available evidence is currently insufficient to determine the role of this variant in disease. Therefore, it has been classified as a Variant of Uncertain Significance. Algorithms developed to predict the effect of missense changes on protein structure and function output the following: SIFT: "Deleterious"; PolyPhen-2: "Benign"; Align-GVGD: "Class C0". The methionine amino acid residue is found in multiple mammalian species, which suggests that this missense change does not adversely affect protein function. ClinVar contains an entry for this variant (Variation ID: 1394322).